The following is an entry in ClinVar:

NM_001366385.1(CARD14):c.1718C>T (p.Ala573Val)

Gene: CARD14 (caspase recruitment domain family member 14; plus strand). Cytogenetic location: 17q25.3.
Variant type: single nucleotide variant.
Coding change: c.1718C>T on transcript NM_001366385.1 (MANE Select); coding-DNA position 1718, C replaced by T.
Protein change: p.Ala573Val; replaces alanine 573 with valine.
Molecular consequence: missense variant. On other transcripts: non-coding transcript variant (1).
Genome position (GRCh38, 1-based): chr17:80,198,458, C>T. VCF-style: chr17-80198458-C-T. GRCh37 (hg19) VCF-style: chr17-78172257-C-T.
Other names: c.1718C>T, p.Ala573Val (NM_024110.4, NM_001257970.1); c.1007C>T, p.Ala336Val (NM_052819.3); c.1718C>T (NM_024110.3); short protein forms A336V, A573V.
Identifiers: ClinVar variation 968999 (VCV000968999.10), dbSNP rs759855222, ClinGen allele CA8816958.

ClinVar aggregate classification (germline): Uncertain significance. Review status: criteria provided, multiple submitters, no conflicts (2 of 4 stars). 3 submissions from 3 submitters: Uncertain significance (3). Last evaluated 2025-09-10.

Conditions:
Inborn genetic diseases. Identifiers: MedGen C0950123, MeSH D030342.
Pityriasis rubra pilaris (PRP). Also called: Pityriasis rubra pilaris--familial type. Identifiers: Orphanet 2897, MedGen C0032027, MONDO:0100017, OMIM 173200, MONDO:0008251.
Psoriasis 2. Identifiers: MedGen C1864497, MONDO:0011269, OMIM 602723.

Allele frequency attached by ClinVar (database versions not stated): gnomAD 0.00002; gnomAD exomes 0.00002; ExAC 0.00003; TOPMed 0.00003.

Submissions (3):

Labcorp Genetics (formerly Invitae), Labcorp
Classification: Uncertain significance for Pityriasis rubra pilaris; Psoriasis 2. Last evaluated: 2025-09-10. Review status: criteria provided, single submitter. Criteria: Invitae Variant Classification Sherloc (09022015). Collection method: clinical testing. Allele origin: germline.
Comment: This sequence change replaces alanine, which is neutral and non-polar, with valine, which is neutral and non-polar, at codon 573 of the CARD14 protein (p.Ala573Val). This variant is present in population databases (rs759855222, gnomAD 0.003%). This variant has not been reported in the literature in individuals affected with CARD14-related conditions. ClinVar contains an entry for this variant (Variation ID: 968999). Invitae Evidence Modeling of protein sequence and biophysical properties (such as structural, functional, and spatial information, amino acid conservation, physicochemical variation, residue mobility, and thermodynamic stability) has been performed for this missense variant. However, the output from this modeling did not meet the statistical confidence thresholds required to predict the impact of this variant on CARD14 protein function. In summary, the available evidence is currently insufficient to determine the role of this variant in disease. Therefore, it has been classified as a Variant of Uncertain Significance.

Ambry Genetics
Classification: Uncertain significance for Inborn genetic diseases. Last evaluated: 2025-02-07. Review status: criteria provided, single submitter. Criteria: Ambry Variant Classification Scheme 2023. Collection method: clinical testing. Allele origin: germline.

Blueprint Genetics
Classification: Uncertain significance. Last evaluated: 2022-02-15. Review status: criteria provided, single submitter. Criteria: ACMG Guidelines, 2015. Collection method: clinical testing. Allele origin: germline.